The following is an entry in ClinVar:

NM_006565.4(CTCF):c.1133C>G (p.Pro378Arg)

Gene: CTCF (CCCTC-binding factor; plus strand). Cytogenetic location: 16q22.1.
Variant type: single nucleotide variant.
Coding change: c.1133C>G on transcript NM_006565.4 (MANE Select); coding-DNA position 1133, C replaced by G.
Protein change: p.Pro378Arg; replaces proline 378 with arginine.
Molecular consequence: missense variant.
Genome position (GRCh38, 1-based): chr16:67,620,743, C>G. VCF-style: chr16-67620743-C-G. GRCh37 (hg19) VCF-style: chr16-67654646-C-G.
Other names: c.149C>G, p.Pro50Arg (NM_001191022.2); c.1133C>G, p.Pro378Arg (NM_001363916.2, NM_001438968.1, NM_001438969.1); short protein forms P378R, P50R.
Identifiers: ClinVar variation 5034981 (VCV005034981.1).

ClinVar aggregate classification (germline): Likely pathogenic (1 of 4 stars; one submission).

Conditions:
Inborn genetic diseases. Identifiers: MedGen C0950123, MeSH D030342.

Submission:

Ambry Genetics
Classification: Likely pathogenic for Inborn genetic diseases. Last evaluated: 2026-07-16. Review status: criteria provided, single submitter. Criteria: Ambry Variant Classification Scheme 2023. Collection method: clinical testing. Allele origin: germline.
Comment: The c.1133C>G (p.P378R) alteration is located in exon 6 (coding exon 4) of the CTCF gene. This alteration results from a C to G substitution at nucleotide position 1133, causing the proline (P) at amino acid position 378 to be replaced by an arginine (R). This variant was not reported in population-based cohorts in the Genome Aggregation Database (gnomAD). Other variant(s) at the same codon, c.1133C>T (p.P378L), have been identified in individual(s) with features consistent with CTCF-related neurodevelopmental disorder (Konrad, 2019; Turner, 2019; Ambry internal data). This amino acid position is highly conserved in available vertebrate species. This alteration is predicted to be deleterious by in silico analysis. Based on the available evidence, this alteration is classified as likely pathogenic.

Literature cited by the submitters: PubMed 31239556; PubMed 31785789.